The following is an entry in ClinVar:

NM_032043.3(BRIP1):c.1141del (p.Met381fs)

Gene: BRIP1 (BRCA1 interacting DNA helicase 1; minus strand). Cytogenetic location: 17q23.2.
Variant type: Deletion.
Coding change: c.1141del on transcript NM_032043.3 (MANE Select); coding-DNA position 1141, one base deleted (A; older notation c.1141delA).
Protein change: p.Met381fs; shifts the reading frame from methionine 381.
Molecular consequence: frameshift variant.
Genome position (GRCh38, 1-based): chr17:61,799,299, T deleted on the plus strand (A on the coding strand, the reverse complement: BRIP1 is on the minus strand). VCF-style (leftmost placement, unchanged base first): chr17-61799298-AT-A. GRCh37 (hg19) VCF-style: chr17-59876659-AT-A.
Other names: short protein forms M381fs.
Identifiers: ClinVar variation 2583769 (VCV002583769.2), dbSNP rs2545140310, ClinGen allele CA2582342240.

ClinVar aggregate classification (germline): Pathogenic (1 of 4 stars; one submission).

Conditions:
Familial cancer of breast. Also called: BREAST CANCER, FAMILIAL; hereditary breast carcinoma; Hereditary breast cancer. Identifiers: Orphanet 227535, MedGen C0346153, MONDO:0016419, OMIM 114480. Disease mechanism: loss of function.

Submission:

Myriad Genetics, Inc.
Classification: Pathogenic for Familial cancer of breast. Last evaluated: 2023-06-01. Review status: criteria provided, single submitter. Criteria: Myriad Autosomal Dominant, Autosomal Recessive and X-Linked Classification Criteria (2023). Collection method: clinical testing. Allele origin: unknown.
Comment: This variant is considered pathogenic. This variant creates a frameshift predicted to result in premature protein truncation.